The following is an entry in ClinVar:

NM_002878.4(RAD51D):c.818G>A (p.Ser273Asn)

Genes: RAD51L3-RFFL (RAD51L3-RFFL readthrough; minus strand), RAD51D (RAD51 paralog D; minus strand). Cytogenetic location: 17q12.
Variant type: single nucleotide variant.
Coding change: c.818G>A on transcript NM_002878.4 (MANE Select); coding-DNA position 818, G replaced by A.
Protein change: p.Ser273Asn; replaces serine 273 with asparagine.
Molecular consequence: missense variant. On other transcripts: non-coding transcript variant (3).
Genome position (GRCh38, 1-based): chr17:35,101,286, C>T on the plus strand (G>A on the coding strand, the complement: RAD51D is on the minus strand). VCF-style: chr17-35101286-C-T. GRCh37 (hg19) VCF-style: chr17-33428305-C-T.
Other names: c.878G>A, p.Ser293Asn (NM_001142571.2); c.482G>A, p.Ser161Asn (NM_133629.3); short protein forms S161N, S273N, S293N.
Identifiers: ClinVar variation 3710619 (VCV003710619.2).

ClinVar aggregate classification (germline): Uncertain significance (1 of 4 stars; one submission).

Conditions:
Breast-ovarian cancer, familial, susceptibility to, 4. Identifiers: Orphanet 145, MedGen C3280345, MONDO:0013669, OMIM 614291.

Submission:

Labcorp Genetics (formerly Invitae), Labcorp
Classification: Uncertain significance for Breast-ovarian cancer, familial, susceptibility to, 4. Last evaluated: 2024-10-27. Review status: criteria provided, single submitter. Criteria: Invitae Variant Classification Sherloc (09022015). Collection method: clinical testing. Allele origin: germline.
Comment: This sequence change replaces serine, which is neutral and polar, with asparagine, which is neutral and polar, at codon 273 of the RAD51D protein (p.Ser273Asn). This variant is not present in population databases (gnomAD no frequency). This variant has not been reported in the literature in individuals affected with RAD51D-related conditions. Invitae Evidence Modeling of protein sequence and biophysical properties (such as structural, functional, and spatial information, amino acid conservation, physicochemical variation, residue mobility, and thermodynamic stability) indicates that this missense variant is not expected to disrupt RAD51D protein function with a negative predictive value of 80%. In summary, the available evidence is currently insufficient to determine the role of this variant in disease. Therefore, it has been classified as a Variant of Uncertain Significance.